The following is an entry in ClinVar:

NM_001735.3(C5):c.4385T>C (p.Leu1462Pro)

Gene: C5 (complement C5; minus strand). Cytogenetic location: 9q33.2.
Variant type: single nucleotide variant.
Coding change: c.4385T>C on transcript NM_001735.3 (MANE Select); coding-DNA position 4385, T replaced by C.
Protein change: p.Leu1462Pro; replaces leucine 1462 with proline.
Molecular consequence: missense variant.
Genome position (GRCh38, 1-based): chr9:120,962,906, A>G on the plus strand (T>C on the coding strand, the complement: C5 is on the minus strand). VCF-style: chr9-120962906-A-G. GRCh37 (hg19) VCF-style: chr9-123725184-A-G.
Other names: c.4403T>C, p.Leu1468Pro (NM_001317163.2); short protein forms L1468P, L1462P.
Identifiers: ClinVar variation 1418674 (VCV001418674.8), dbSNP rs772690228, ClinGen allele CA5217191.

ClinVar aggregate classification (germline): Uncertain significance (1 of 4 stars; one submission).

Allele frequency attached by ClinVar (database versions not stated): gnomAD exomes below 0.00001 and 0.00001; TOPMed below 0.00001; ExAC 0.00001; gnomAD 0.00001.
gnomAD v4.1: 3 of 1,613,954 alleles (0.00019%); highest among the groups gnomAD compares: Non-Finnish European, 0.00025%; no homozygotes.

Submission:

Labcorp Genetics (formerly Invitae), Labcorp
Classification: Uncertain significance. Last evaluated: 2021-05-10. Review status: criteria provided, single submitter. Criteria: Invitae Variant Classification Sherloc (09022015). Collection method: clinical testing. Allele origin: germline.
Comment: This sequence change replaces leucine with proline at codon 1462 of the C5 protein (p.Leu1462Pro). The leucine residue is moderately conserved and there is a moderate physicochemical difference between leucine and proline. This variant is present in population databases (rs772690228, ExAC 0.001%). This variant has not been reported in the literature in individuals with C5-related conditions. Algorithms developed to predict the effect of missense changes on protein structure and function are either unavailable or do not agree on the potential impact of this missense change (SIFT: "Deleterious"; PolyPhen-2: "Probably Damaging"; Align-GVGD: "Class C15"). In summary, the available evidence is currently insufficient to determine the role of this variant in disease. Therefore, it has been classified as a Variant of Uncertain Significance.